The following is an entry in ClinVar:

NM_001009944.3(PKD1):c.6749C>T (p.Thr2250Met)

Gene: PKD1 (polycystin 1, transient receptor potential channel interacting; minus strand). Cytogenetic location: 16p13.3.
Variant type: single nucleotide variant.
Coding change: c.6749C>T on transcript NM_001009944.3 (MANE Select); coding-DNA position 6749, C replaced by T.
Protein change: p.Thr2250Met; replaces threonine 2250 with methionine.
Molecular consequence: missense variant.
Genome position (GRCh38, 1-based): chr16:2,108,418, G>A on the plus strand (C>T on the coding strand, the complement: PKD1 is on the minus strand). VCF-style: chr16-2108418-G-A. GRCh37 (hg19) VCF-style: chr16-2158419-G-A.
Other names: c.6749C>T (NM_001009944.2); c.6749C>T, p.Thr2250Met (NM_000296.4); short protein forms T2250M.
Identifiers: ClinVar variation 447996 (VCV000447996.48), dbSNP rs139971481, ClinGen allele CA7831481.

ClinVar aggregate classification (germline): Conflicting classifications of pathogenicity. Review status: criteria provided, conflicting classifications (1 of 4 stars). 10 submissions from 10 submitters: Pathogenic (1); Uncertain significance (2); Benign (2); Likely benign (1). 4 of the submissions do not count toward it. Last evaluated 2026-04-25.

Conditions:
PKD1-Biallelic Autosomal Recessive Polycystic Kidney Disease.
PKD1-related disorder. Also called: PKD1-related condition.
Polycystic kidney disease, adult type (PKD1). Also called: Polycystic Kidney Disease 1, Autosomal Dominant; Polycystic kidney disease 1; Polycystic kidney disease 1, severe; POLYCYSTIC KIDNEY DISEASE 1 WITH OR WITHOUT POLYCYSTIC LIVER DISEASE; Polycystic Kidney, Autosomal Dominant; POLYCYSTIC KIDNEY DISEASE, ADULT, TYPE I. Identifiers: MedGen C3149841, MONDO:0008263, OMIM 173900.
Polycystic kidney disease. Also called: Kidney, Polycystic; Polycystic kidney dysplasia. Identifiers: MedGen C0022680, MeSH D007690, MONDO:0020642, HP:0000113.

Allele frequency attached by ClinVar (database versions not stated): 1000 Genomes Project 30x 0.00125; 1000 Genomes Project 0.00140; ESP Exome Variant Server 0.00208; gnomAD 0.00217 and 0.00222; ExAC 0.00220; gnomAD exomes 0.00232 and 0.00339; TOPMed 0.00274.
gnomAD v4.1: 5,239 of 1,610,544 alleles (0.33%); highest among the groups gnomAD compares: Non-Finnish European, 0.39%; 16 homozygotes.

Submissions (10):

PreventionGenetics, part of Exact Sciences
Classification: Uncertain significance for PKD1-related condition. Last evaluated: 2026-04-25. Review status: criteria provided, single submitter. Criteria: ACMG Guidelines, 2015. Collection method: clinical testing. Allele origin: germline.
Comment: The PKD1 c.6749C>T variant is predicted to result in the amino acid substitution p.Thr2250Met. This variant has been suggested to be a hypomorphic allele for autosomal dominant polycystic kidney disease (ADPKD) (Reiterová et al. 2013. PubMed ID: 23496908; Irazabal et al. 2011. PubMed ID: 21551026; Perrichot et al. 2000. PubMed ID: 10854095). This type of variant alone in PKD1 probably does not cause ADPKD, but it may act as a hypomorphic allele or modifier to contribute to the disease severity when present in trans with a typical pathogenic or milder PKD1 variant. This variant is reported in 0.35% of alleles (with three homozygotes) in individuals of European (Non-Finnish) descent in gnomAD. Although we suspect that this variant may be benign individually due to its relatively high minor allele frequency in the general population, at this time, the clinical significance of this variant is uncertain due to the absence of conclusive functional and genetic evidence.

CeGaT Center for Human Genetics Tuebingen
Classification: Benign. Last evaluated: 2025-10-01. Review status: criteria provided, single submitter. Criteria: CeGaT Center For Human Genetics Tuebingen Variant Classification Criteria Version 2. Collection method: clinical testing. Allele origin: germline. Affected: yes. Observed: 8 variant alleles.
Comment: PKD1: BS1, BS2

Women's Health and Genetics/Laboratory Corporation of America, LabCorp
Classification: Pathogenic for PKD1-Biallelic Autosomal Recessive Polycystic Kidney Disease. Last evaluated: 2025-04-22. Review status: criteria provided, single submitter. Criteria: LabCorp Variant Classification Summary - May 2015. Collection method: clinical testing. Allele origin: germline.
Comment: Variant summary: PKD1 c.6749C>T (p.Thr2250Met) results in a non-conservative amino acid change in the encoded protein sequence. Five of five in-silico tools predict a damaging effect of the variant on protein function. The variant allele was found at a frequency of 0.0023 in 248540 control chromosomes in the gnomAD database, including 4 homozygotes. This frequency is not significantly higher than estimated for a pathogenic variant in PKD1 causing PKD1-Biallelic Autosomal Recessive Polycystic Kidney Disease, allowing no conclusion about variant significance. c.6749C>T has been reported in the literature in individuals affected with PKD1-Biallelic Autosomal Recessive Polycystic Kidney Disease (e.g. Reiterova_2013, Paul_2014, Mantovani_2020, Gulati_2023). These individuals were compound heterozygous with either pathogenic truncating variants or another putative hypomorphic variant, and some family members who carried the variant had mild cystic kidney disease. These data indicate that the variant is likely to be associated with disease as a hypomorphic allele. The following publications have been ascertained in the context of this evaluation (PMID: 36706243, 23496908, 23496908, 21551026, 32457805, 23760289, 27499327, 22406737, 22383692, 26489027, 35368817, 24162162). ClinVar contains an entry for this variant (Variation ID: 447996). Based on the evidence supporting a hypomorphic effect as outlined above, this variant was classified as pathogenic for PKD1-Biallelic Autosomal Recessive Polycystic Kidney Disease.

Mendelics
Classification: Likely benign for Polycystic kidney disease, adult type. Last evaluated: 2019-05-28. Review status: criteria provided, single submitter. Criteria: Mendelics Assertion Criteria 2017. Collection method: clinical testing. Allele origin: unknown.

ARUP Laboratories, Molecular Genetics and Genomics, ARUP Laboratories
Classification: Uncertain significance for Polycystic kidney disease, adult type. Last evaluated: 2019-02-21. Review status: criteria provided, single submitter. Criteria: ARUP Molecular Germline Variant Investigation Process. Collection method: clinical testing. Allele origin: germline.
Comment: The PKD1 c.6749C>T, p.Thr2250Met variant (rs139971481) has been reported in individuals diagnosed with ADPKD (Irazabal 2011, Perrichot 2000, Reiterova 2013, Rossetti 2012) but has also been found to co-occur with truncating PKD1 variants (Mayo ADPKD database). In one individual, the p.Thr2250Met variant was found in-trans with a truncating PKD1 variant and correlated with a more severe polycystic disorder, suggesting a possible modifier effect (Reiterova 2013). Individuals heterozygous for this variant exhibit either a mild cystic disease or no clinical phenotypes (Kleffman 2012, Reiterova 2013). This variant is found in the non-Finnish European population with an overall allele frequency of 0.35% (444/127104 alleles, including three homozygotes) in the Genome Aggregation Database. The threonine at codon 2250 is moderately conserved and computational analyses (SIFT, PolyPhen-2) predict that this variant is deleterious. Although the population frequency and clinical phenotypes suggest that the p.Thr2250Met may not be a causative variant on its own, its potential effect as a disease modifier cannot be excluded. Thus, the clinical significance of p.Thr2250Met cannot be determined with certainty. References: Mayo ADPKD database: Irazabal M et al. Extended follow-up of unruptured intracranial aneurysms detected by presymptomatic screening in patients with autosomal dominant polycystic kidney disease. Clin J Am Soc Nephrol. 2011 Jun;6(6):1274-85. Kleffman J et al. Dosage-sensitive network in polycystic kidney and liver disease: multiple mutations cause severe hepatic and neurological complications. J Hepatol. 2012 Aug;57(2):476-7. Perrichot R et al. Novel mutations in the duplicated region of PKD1 gene. Eur J Hum Genet. 2000 May;8(5):353-9. Reiterova J et al. Autosomal dominant polycystic kidney disease in a family with mosaicism and hypomorphic allele. BMC Nephrol. 2013 Mar 15;14:59.

Athena Diagnostics
Classification: Benign. Last evaluated: 2017-03-24. Review status: criteria provided, single submitter. Criteria: Athena Diagnostics Criteria. Collection method: clinical testing. Allele origin: germline.

Clinical Genetics DNA and cytogenetics Diagnostics Lab, Erasmus MC, Erasmus Medical Center
Classification: Likely benign. Review status: no assertion criteria provided. Collection method: clinical testing. Allele origin: germline. Affected: yes. Study: VKGL Data-share Consensus. Not counted in ClinVar's aggregate classification.

Department of Pathology and Laboratory Medicine, Sinai Health System
Classification: Likely benign for Polycystic Kidney disease. Review status: no assertion criteria provided. Collection method: clinical testing. Allele origin: unknown. Affected: yes. Observed: 5 variant alleles. Study: The Canadian Open Genetics Repository (COGR). Not counted in ClinVar's aggregate classification.
Comment: The PKD1 p.Thr2250Met variant was identified in 9 of 932 proband chromosomes (frequency: 0.01) from individuals or families with ADPKD (Irazabal 2011, Paul 2014, Perrichot 2000, Rossetti 2012). The variant was also identified in dbSNP (ID: rs139971481) as â€šÃ„ÃºN/Aâ€šÃ„Ã¹, the ADPKD Mutation Database (classified as likely neutral) and PKD1-LOVD 3.0 (classified as unknown effect). This variant was identified in the 1000 Genomes Project in 7 of 5000 chromosomes (frequency: 0.001), the NHLBI GO Exome Sequencing Project in 24 of 8584 European American and in 3 of 4388 African American alleles, the Exome Aggregation Consortium database (August 8th 2016) in 262 (4 homozygous) of 119152 chromosomes (freq. 0.002) in the following populations: European in 204 of 64980 chromosomes (freq. 0.003), Latino in 26 of 11528 chromosomes (freq. 0.002), Asian in 26 of 16500 chromosomes (freq. 0.002), African in 3 of 10108 chromosomes (freq. 0.0003), Finnish in 2 of 6588 chromosomes (freq. 0.0003) and Other in 1 of 880 chromosomes (freq. 0.001), increasing the likelihood this could be a low frequency benign variant. In addition we cannot be certain that data from control databases is specific to PKD1 and not from one of the six PKD1 pseudogenes. The p.Thr2250 residue is conserved in mammals and computational analyses (PolyPhen-2, SIFT, AlignGVGD, BLOSUM, MutationTaster) provide inconsistent predictions regarding the impact to the protein; this information is not very predictive of pathogenicity. The variant occurs outside of the splicing consensus sequence and 2 of 5 in silico or computational prediction software programs (SpliceSiteFinder, MaxEntScan, NNSPLICE, GeneSplicer, HumanSpliceFinder) predict a greater than 10% difference in splicing; this is not very predictive of pathogenicity. In two different case studies suggest the variant has a dosage effect and is most likely an incompletely penetrant allele (Kleffmann 2012, Reiterova 2013). This variant located in the REJ domain of PC-1 and cleavage of PC-1 at the GPS site can be affected by variants in this domain, however, analysis by Paul (2014) did not show that p.Thr2250Met variant influences this cleavage. In summary, based on the above information, the clinical significance of this variant cannot be determined with certainty at this time although we would lean towards a more benign role for this variant. This variant is classified as likely benign.

Genome Diagnostics Laboratory, University Medical Center Utrecht
Classification: Likely benign. Review status: no assertion criteria provided. Collection method: clinical testing. Allele origin: germline. Affected: yes. Study: VKGL Data-share Consensus. Not counted in ClinVar's aggregate classification.

Laboratory of Diagnostic Genome Analysis, Leiden University Medical Center (LUMC)
Classification: Likely benign. Review status: no assertion criteria provided. Collection method: clinical testing. Allele origin: germline. Affected: yes. Study: VKGL Data-share Consensus. Not counted in ClinVar's aggregate classification.

Literature cited by the submitters: PubMed 24162162 (cited by Women's Health and Genetics/Laboratory Corporation of America, LabCorp); PubMed 32457805 (cited by Women's Health and Genetics/Laboratory Corporation of America, LabCorp); PubMed 26489027 (cited by Women's Health and Genetics/Laboratory Corporation of America, LabCorp); PubMed 27499327 (cited by Women's Health and Genetics/Laboratory Corporation of America, LabCorp); PubMed 22383692 (cited by Women's Health and Genetics/Laboratory Corporation of America, LabCorp and Athena Diagnostics); PubMed 35368817 (cited by Women's Health and Genetics/Laboratory Corporation of America, LabCorp); PubMed 21551026 (cited by Women's Health and Genetics/Laboratory Corporation of America, LabCorp and Athena Diagnostics); PubMed 36706243 (cited by Women's Health and Genetics/Laboratory Corporation of America, LabCorp); PubMed 23496908 (cited by Women's Health and Genetics/Laboratory Corporation of America, LabCorp and Athena Diagnostics); PubMed 22406737 (cited by Women's Health and Genetics/Laboratory Corporation of America, LabCorp and Athena Diagnostics); PubMed 23760289 (cited by Women's Health and Genetics/Laboratory Corporation of America, LabCorp and Athena Diagnostics); PubMed 10854095 (cited by Athena Diagnostics); PubMed 21706482 (cited by Athena Diagnostics).